The following is an entry in ClinVar:

NM_001370298.3(FGD4):c.1470C>T (p.Pro490=)

Gene: FGD4 (FYVE, RhoGEF and PH domain containing 4; plus strand). Cytogenetic location: 12p11.21.
Variant type: single nucleotide variant.
Coding change: c.1470C>T on transcript NM_001370298.3 (MANE Select); coding-DNA position 1470, C replaced by T.
Protein change: p.Pro490=; no amino-acid change (proline 490 retained).
Molecular consequence: synonymous variant.
Genome position (GRCh38, 1-based): chr12:32,608,022, C>T. VCF-style: chr12-32608022-C-T. GRCh37 (hg19) VCF-style: chr12-32760956-C-T.
Other names: p.Pro353=; c.1314C>T, p.Pro438= (NM_001304481.2); c.315C>T, p.Pro105= (NM_001304483.2); c.27C>T, p.Pro9= (NM_001304484.2); c.780C>T, p.Pro260= (NM_001330373.2, NM_001330374.2, NM_001384130.1); c.507C>T, p.Pro169= (NM_001370297.1); c.1470C>T, p.Pro490= (NM_001384126.1); c.1059C>T, p.Pro353= (NM_001384127.1, NM_001384128.1, NM_001385118.1 and 1 more transcripts).
Identifiers: ClinVar variation 308294 (VCV000308294.20), dbSNP rs16920084, ClinGen allele CA6506790.

ClinVar aggregate classification (germline): Benign. Review status: criteria provided, multiple submitters, no conflicts (2 of 4 stars). 6 submissions from 6 submitters: Benign (5). 1 of the submissions does not count toward it. Last evaluated 2026-01-28.

Conditions:
FGD4-related disorder. Also called: FGD4-related condition.
Charcot-Marie-Tooth disease type 4. Also called: Charcot-Marie-Tooth, Type 4; Charcot-Marie-Tooth disease, type IV. Identifiers: Orphanet 64749, MedGen C4082197, MONDO:0018995.
Charcot-Marie-Tooth disease type 4H (CMT4H). Also called: CHARCOT-MARIE-TOOTH DISEASE, DEMYELINATING, TYPE 4H; CHARCOT-MARIE-TOOTH DISEASE, AUTOSOMAL RECESSIVE, TYPE 4H; CHARCOT-MARIE-TOOTH DISEASE, DEMYELINATING, AUTOSOMAL RECESSIVE, TYPE 4H; CHARCOT-MARIE-TOOTH NEUROPATHY, TYPE 4H. Identifiers: Orphanet 99954, MedGen C1836336, MONDO:0012250, OMIM 609311.

Allele frequency attached by ClinVar (database versions not stated): gnomAD exomes 0.00752; ExAC 0.00969; TOPMed 0.03185; 1000 Genomes Project 0.03275; ESP Exome Variant Server 0.03621; 1000 Genomes Project 30x 0.03716.
gnomAD v4.1: 8,524 of 1,614,158 alleles (0.53%); highest among the groups gnomAD compares: African/African-American, 10%; 429 homozygotes.

Submissions (6):

Labcorp Genetics (formerly Invitae), Labcorp
Classification: Benign for Charcot-Marie-Tooth disease type 4. Last evaluated: 2026-01-28. Review status: criteria provided, single submitter. Criteria: Invitae Variant Classification Sherloc (09022015). Collection method: clinical testing. Allele origin: germline.

Illumina Laboratory Services, Illumina
Classification: Benign for Charcot-Marie-Tooth disease type 4H. Last evaluated: 2018-01-13. Review status: criteria provided, single submitter. Criteria: ICSL Variant Classification Criteria 13 December 2019. Collection method: clinical testing. Allele origin: germline.
Comment: This variant was observed in the ICSL laboratory as part of a predisposition screen in an ostensibly healthy population. It had not been previously curated by ICSL or reported in the Human Gene Mutation Database (HGMD: prior to June 1st, 2018), and was therefore a candidate for classification through an automated scoring system. Utilizing variant allele frequency, disease prevalence and penetrance estimates, and inheritance mode, an automated score was calculated to assess if this variant is too frequent to cause the disease. Based on the score and internal cut-off values, a variant classified as benign is not then subjected to further curation. The score for this variant resulted in a classification of benign for this disease.

Mayo Clinic Laboratories, Mayo Clinic
Classification: Benign. Last evaluated: 2017-02-07. Review status: criteria provided, single submitter. Criteria: ACMG Guidelines, 2015. Collection method: clinical testing. Allele origin: germline. Observed: 17 variant alleles.

GeneDx
Classification: Benign. Last evaluated: 2015-03-03. Review status: criteria provided, single submitter. Criteria: GeneDx Variant Classification Process June 2021. Collection method: clinical testing. Allele origin: germline. Affected: yes.

Breakthrough Genomics
Classification: Benign. Review status: criteria provided, single submitter. Criteria: ACMG Guidelines, 2015. Collection method: not provided. Allele origin: germline. Inheritance: Autosomal recessive inheritance. Affected: yes.

PreventionGenetics, part of Exact Sciences
Classification: Benign for FGD4-related condition. Last evaluated: 2019-12-05. Review status: no assertion criteria provided. Collection method: clinical testing. Allele origin: germline. Not counted in ClinVar's aggregate classification.
Comment: This variant is classified as benign based on ACMG/AMP sequence variant interpretation guidelines (Richards et al. 2015 PMID: 25741868, with internal and published modifications).